The following is an entry in ClinVar:

NM_139058.3(ARX):c.389C>T (p.Pro130Leu)

Genes: ARX (aristaless related homeobox; minus strand), LOC109610631 (aristaless related homeobox polyalanine expansion region; plus strand). Cytogenetic location: Xp21.3.
Variant type: single nucleotide variant.
Coding change: c.389C>T on transcript NM_139058.3 (MANE Select); coding-DNA position 389, C replaced by T.
Protein change: p.Pro130Leu; replaces proline 130 with leucine.
Molecular consequence: missense variant.
Genome position (GRCh38, 1-based): chrX:25,013,606, G>A on the plus strand (C>T on the coding strand, the complement: ARX is on the minus strand). VCF-style: chrX-25013606-G-A. GRCh37 (hg19) VCF-style: chrX-25031723-G-A.
Other names: short protein forms P130L.
Identifiers: ClinVar variation 1509359 (VCV001509359.7), dbSNP rs1064795129, ClinGen allele CA412613279.

ClinVar aggregate classification (germline): Uncertain significance (1 of 4 stars; one submission).

Conditions:
Developmental and epileptic encephalopathy, 1 (DEE1). Also called: X-linked infantile spasms; West's syndrome; Tonic spasms with clustering, arrest of psychomotor development and hypsarrhythmia on EEG; X-Linked Infantile Spasm Syndrome; OHTAHARA SYNDROME, X-LINKED; Epileptic encephalopathy, early infantile, 1. Identifiers: MedGen C3463992, MONDO:0010632, OMIM 308350. Disease mechanism: loss of function.
Intellectual disability, X-linked, with or without seizures, ARX-related. Also called: INTELLECTUAL DEVELOPMENTAL DISORDER, X-LINKED 29; MENTAL RETARDATION, X-LINKED 29; MENTAL RETARDATION, X-LINKED 32; MENTAL RETARDATION, X-LINKED 33; MENTAL RETARDATION, X-LINKED 38; MENTAL RETARDATION, X-LINKED 43. Identifiers: Orphanet 777, MedGen C0796244, MONDO:0010317, OMIM 300419.

gnomAD v4.1: 7 of 752,046 alleles (0.00093%); highest among the groups gnomAD compares: Non-Finnish European, 0.0011%; no homozygotes.

Submission:

Labcorp Genetics (formerly Invitae), Labcorp
Classification: Uncertain significance for Developmental and epileptic encephalopathy, 1; Intellectual disability, X-linked, with or without seizures, ARX-related. Last evaluated: 2024-10-22. Review status: criteria provided, single submitter. Criteria: Invitae Variant Classification Sherloc (09022015). Collection method: clinical testing. Allele origin: germline.
Comment: This sequence change replaces proline, which is neutral and non-polar, with leucine, which is neutral and non-polar, at codon 130 of the ARX protein (p.Pro130Leu). The frequency data for this variant in the population databases is considered unreliable, as metrics indicate insufficient coverage at this position in the gnomAD database. This variant has not been reported in the literature in individuals affected with ARX-related conditions. ClinVar contains an entry for this variant (Variation ID: 1509359). Invitae Evidence Modeling of protein sequence and biophysical properties (such as structural, functional, and spatial information, amino acid conservation, physicochemical variation, residue mobility, and thermodynamic stability) indicates that this missense variant is not expected to disrupt ARX protein function with a negative predictive value of 95%. In summary, the available evidence is currently insufficient to determine the role of this variant in disease. Therefore, it has been classified as a Variant of Uncertain Significance.